The following is an entry in ClinVar:

ClinVar aggregate classification (germline): Conflicting classifications of pathogenicity. Review status: criteria provided, conflicting classifications (1 of 4 stars). 9 submissions from 9 submitters: Uncertain significance (8); Likely benign (1). Last evaluated 2025-07-13.

Conditions:
Fanconi anemia complementation group O. Also called: RAD51C-Related Fanconi Anemia. Identifiers: Orphanet 84, MedGen C3150653, MONDO:0013248, OMIM 613390.
Breast-ovarian cancer, familial, susceptibility to, 3. Also called: RAD51C-Related Breast/Ovarian Cancer. Identifiers: Orphanet 145, MedGen C3150659, MONDO:0013253, OMIM 613399.
Hereditary cancer-predisposing syndrome. Also called: Neoplastic Syndromes, Hereditary; Tumor predisposition; Hereditary Cancer Syndrome; Hereditary neoplastic syndrome. Identifiers: Orphanet 140162, MedGen C0027672, MeSH D009386, MONDO:0015356.

Allele frequency attached by ClinVar (database versions not stated): gnomAD exomes 0.00001.
gnomAD v4.1: 9 of 1,614,178 alleles (0.00056%); highest among the groups gnomAD compares: Non-Finnish European, 0.00076%; no homozygotes.

Submissions (9):

Labcorp Genetics (formerly Invitae), Labcorp
Classification: Uncertain significance for Fanconi anemia complementation group O. Last evaluated: 2025-07-13. Review status: criteria provided, single submitter. Criteria: Invitae Variant Classification Sherloc (09022015). Collection method: clinical testing. Allele origin: germline.
Comment: This sequence change replaces alanine, which is neutral and non-polar, with threonine, which is neutral and polar, at codon 184 of the RAD51C protein (p.Ala184Thr). This variant is present in population databases (no rsID available, gnomAD 0.002%). This variant has not been reported in the literature in individuals affected with RAD51C-related conditions. ClinVar contains an entry for this variant (Variation ID: 409864). Invitae Evidence Modeling of protein sequence and biophysical properties (such as structural, functional, and spatial information, amino acid conservation, physicochemical variation, residue mobility, and thermodynamic stability) indicates that this missense variant is expected to disrupt RAD51C protein function with a positive predictive value of 80%. In summary, the available evidence is currently insufficient to determine the role of this variant in disease. Therefore, it has been classified as a Variant of Uncertain Significance.

Color Diagnostics, LLC DBA Color Health
Classification: Uncertain significance for Hereditary cancer-predisposing syndrome. Last evaluated: 2025-07-09. Review status: criteria provided, single submitter. Criteria: ACMG Guidelines, 2015. Collection method: clinical testing. Allele origin: germline.
Comment: This missense variant replaces alanine with threonine at codon 184 of the RAD51C protein. Computational prediction suggests that this variant may not impact protein structure and function. To our knowledge, functional studies have not been reported for this variant. This variant has not been reported in individuals affected with RAD51C-related disorders in the literature. This variant has been identified in 2/251468 chromosomes in the general population by the Genome Aggregation Database (gnomAD). The available evidence is insufficient to determine the role of this variant in disease conclusively. Therefore, this variant is classified as a Variant of Uncertain Significance.

Ambry Genetics
Classification: Likely benign for Hereditary cancer-predisposing syndrome. Last evaluated: 2025-04-21. Review status: criteria provided, single submitter. Criteria: Ambry Variant Classification Scheme 2023. Collection method: clinical testing. Allele origin: germline.

Department of Pathology and Laboratory Medicine, Sinai Health System
Classification: Uncertain significance for Fanconi anemia complementation group O; Breast-ovarian cancer, familial, susceptibility to, 3. Last evaluated: 2024-07-09. Review status: criteria provided, single submitter. Criteria: ACMG Guidelines, 2015. Collection method: clinical testing. Allele origin: germline.

Blueprint Genetics
Classification: Uncertain significance. Last evaluated: 2024-03-08. Review status: criteria provided, single submitter. Criteria: ACMG Guidelines, 2015. Collection method: clinical testing. Allele origin: germline.

Baylor Genetics
Classification: Uncertain significance for Breast-ovarian cancer, familial, susceptibility to, 3. Last evaluated: 2023-12-11. Review status: criteria provided, single submitter. Criteria: ACMG Guidelines, 2015. Collection method: clinical testing. Allele origin: unknown.

GeneDx
Classification: Uncertain significance. Last evaluated: 2023-03-10. Review status: criteria provided, single submitter. Criteria: GeneDx Variant Classification Process June 2021. Collection method: clinical testing. Allele origin: germline. Affected: yes.
Comment: Not observed at significant frequency in large population cohorts (gnomAD); In silico analysis supports that this missense variant does not alter protein structure/function; Has not been previously published as pathogenic or benign to our knowledge; This variant is associated with the following publications: (PMID: 14704354)

Sema4
Classification: Uncertain significance for Hereditary cancer-predisposing syndrome. Last evaluated: 2022-03-16. Review status: criteria provided, single submitter. Criteria: Sema4 Curation Guidelines. Collection method: curation. Allele origin: germline.
Comment: The RAD51C c.550G>A (p.A184T) variant has not been reported in the literature to our knowledge. This variant was observed in 2/113748 chromosomes in the Non-Finnish European population according to the Genome Aggregation Database (PMID: 32461654) and has been reported in ClinVar (Variation ID: 409864). Functional studies have not been performed, and in silico predictions of the variant's effect on protein function are inconclusive. The evidence is insufficient to meet ACMG/AMP criteria for classifying the variant as benign or pathogenic. Thus, the clinical significance of this variant is currently uncertain.

Genetics and Molecular Pathology, SA Pathology
Classification: Uncertain significance for Breast-ovarian cancer, familial, susceptibility to, 3. Last evaluated: 2021-02-08. Review status: criteria provided, single submitter. Criteria: ACMG Guidelines, 2015. Collection method: clinical testing. Allele origin: germline. Affected: yes.

NM_058216.3(RAD51C):c.550G>A (p.Ala184Thr)

Gene: RAD51C (RAD51 paralog C; plus strand). Cytogenetic location: 17q22.
Variant type: single nucleotide variant.
Coding change: c.550G>A on transcript NM_058216.3 (MANE Select); coding-DNA position 550, G replaced by A.
Protein change: p.Ala184Thr; replaces alanine 184 with threonine.
Molecular consequence: missense variant.
Genome position (GRCh38, 1-based): chr17:58,696,838, G>A. VCF-style: chr17-58696838-G-A. GRCh37 (hg19) VCF-style: chr17-56774199-G-A.
Other names: short protein forms A184T.
Identifiers: ClinVar variation 409864 (VCV000409864.25), dbSNP rs1060502604, ClinGen allele CA16615466.